The following is an entry in ClinVar:

ClinVar aggregate classification (germline): Uncertain significance (1 of 4 stars; one submission).

Conditions:
Cone-rod dystrophy 6 (CORD6). Also called: Cone dystrophy progressive; RETINAL CONE DYSTROPHY 2. Identifiers: Orphanet 1872, MedGen C1866293, MONDO:0011143, OMIM 601777.
Leber congenital amaurosis 1 (LCA1). Also called: AMAUROSIS CONGENITA OF LEBER I; RETINAL BLINDNESS, CONGENITAL; Congenital absence of the rods and cones; Leber's congenital tapetoretinal degeneration; Leber's congenital tapetoretinal dysplasia. Identifiers: Orphanet 65, MedGen C2931258, MONDO:0008764, OMIM 204000.

gnomAD v4.1: 1 of 1,613,764 alleles (0.000062%); highest among the groups gnomAD compares: Non-Finnish European, 0.000085%; no homozygotes.

Submission:

Labcorp Genetics (formerly Invitae), Labcorp
Classification: Uncertain significance for Leber congenital amaurosis 1; Cone-rod dystrophy 6. Last evaluated: 2025-03-31. Review status: criteria provided, single submitter. Criteria: Invitae Variant Classification Sherloc (09022015). Collection method: clinical testing. Allele origin: germline.
Comment: This sequence change replaces leucine, which is neutral and non-polar, with proline, which is neutral and non-polar, at codon 783 of the GUCY2D protein (p.Leu783Pro). This variant is not present in population databases (gnomAD no frequency). This missense change has been observed in individual(s) with clinical features of GUCY2D-related disorders (PMID: 35754085, 38219857). ClinVar contains an entry for this variant (Variation ID: 1362688). Invitae Evidence Modeling of protein sequence and biophysical properties (such as structural, functional, and spatial information, amino acid conservation, physicochemical variation, residue mobility, and thermodynamic stability) has been performed for this missense variant. However, the output from this modeling did not meet the statistical confidence thresholds required to predict the impact of this variant on GUCY2D protein function. In summary, the available evidence is currently insufficient to determine the role of this variant in disease. Therefore, it has been classified as a Variant of Uncertain Significance.

Literature cited by the submitters: PubMed 35754085; PubMed 38219857.

NM_000180.4(GUCY2D):c.2348T>C (p.Leu783Pro)

Gene: GUCY2D (guanylate cyclase 2D, retinal; plus strand). Cytogenetic location: 17p13.1.
Variant type: single nucleotide variant.
Coding change: c.2348T>C on transcript NM_000180.4 (MANE Select); coding-DNA position 2348, T replaced by C.
Protein change: p.Leu783Pro; replaces leucine 783 with proline.
Molecular consequence: missense variant.
Genome position (GRCh38, 1-based): chr17:8,013,964, T>C. VCF-style: chr17-8013964-T-C. GRCh37 (hg19) VCF-style: chr17-7917282-T-C.
Other names: short protein forms L783P.
Identifiers: ClinVar variation 1362688 (VCV001362688.8), dbSNP rs1166312966, ClinGen allele CA397953224.